The following is an entry in ClinVar:

NM_032802.4(SPPL2A):c.1480A>G (p.Ser494Gly)

Gene: SPPL2A (signal peptide peptidase like 2A; minus strand). Cytogenetic location: 15q21.2.
Variant type: single nucleotide variant.
Coding change: c.1480A>G on transcript NM_032802.4 (MANE Select); coding-DNA position 1480, A replaced by G.
Protein change: p.Ser494Gly; replaces serine 494 with glycine.
Molecular consequence: missense variant.
Genome position (GRCh38, 1-based): chr15:50,719,948, T>C on the plus strand (A>G on the coding strand, the complement: SPPL2A is on the minus strand). VCF-style: chr15-50719948-T-C. GRCh37 (hg19) VCF-style: chr15-51012145-T-C.
Other names: c.1480A>G (NM_032802.3); short protein forms S494G.
Identifiers: ClinVar variation 2907048 (VCV002907048.4), dbSNP rs370526290, ClinGen allele CA7558184.

ClinVar aggregate classification (germline): Uncertain significance. Review status: criteria provided, multiple submitters, no conflicts (2 of 4 stars). 2 submissions from 2 submitters: Uncertain significance (2). Last evaluated 2024-08-09.

Allele frequency attached by ClinVar (database versions not stated): gnomAD exomes below 0.00001; ExAC 0.00003; gnomAD 0.00005; TOPMed 0.00006; ESP Exome Variant Server 0.00008.
gnomAD v4.1: 12 of 1,611,312 alleles (0.00074%); highest among the groups gnomAD compares: African/African-American, 0.016%; no homozygotes.

Submissions (2):

Labcorp Genetics (formerly Invitae), Labcorp
Classification: Uncertain significance. Last evaluated: 2024-08-09. Review status: criteria provided, single submitter. Criteria: Invitae Variant Classification Sherloc (09022015). Collection method: clinical testing. Allele origin: germline.
Comment: This sequence change replaces serine, which is neutral and polar, with glycine, which is neutral and non-polar, at codon 494 of the SPPL2A protein (p.Ser494Gly). This variant is present in population databases (rs370526290, gnomAD 0.03%). This variant has not been reported in the literature in individuals affected with SPPL2A-related conditions. An algorithm developed to predict the effect of missense changes on protein structure and function outputs the following: PolyPhen-2: "Benign". The glycine amino acid residue is found in multiple mammalian species, which suggests that this missense change does not adversely affect protein function. In summary, the available evidence is currently insufficient to determine the role of this variant in disease. Therefore, it has been classified as a Variant of Uncertain Significance.

Ambry Genetics
Classification: Uncertain significance. Last evaluated: 2024-03-15. Review status: criteria provided, single submitter. Criteria: Ambry Variant Classification Scheme 2023. Collection method: clinical testing. Allele origin: germline.